The following is an entry in ClinVar:

NM_006363.6(SEC23B):c.592A>T (p.Lys198Ter)

Genes: SEC23B (SEC23 homolog B, COPII component; plus strand), LOC126862987 (MED14-independent group 3 enhancer GRCh37_chr20:18504796-18505995; plus strand). Cytogenetic location: 20p11.23.
Variant type: single nucleotide variant.
Coding change: c.592A>T on transcript NM_006363.6 (MANE Select); coding-DNA position 592, A replaced by T.
Protein change: p.Lys198Ter; replaces lysine 198 with a stop codon.
Molecular consequence: nonsense.
Genome position (GRCh38, 1-based): chr20:18,524,658, A>T. VCF-style: chr20-18524658-A-T. GRCh37 (hg19) VCF-style: chr20-18505302-A-T.
Other names: c.592A>T, p.Lys198Ter (NM_001172745.3, NM_032985.6, NM_032986.5); c.538A>T, p.Lys180Ter (NM_001172746.3); short protein forms K198*, K180*.
Identifiers: ClinVar variation 2944168 (VCV002944168.3), dbSNP rs2517471083, ClinGen allele CA408358722.

ClinVar aggregate classification (germline): Pathogenic (1 of 4 stars; one submission).

Conditions:
Congenital dyserythropoietic anemia, type II (CDAN2). Also called: DYSERYTHROPOIETIC ANEMIA, HEMPAS TYPE. Identifiers: Orphanet 98873, MedGen C1306589, MONDO:0009134, OMIM 224100.
Cowden syndrome 7 (CWS7). Identifiers: Orphanet 201, MedGen C4225179, MONDO:0014802, OMIM 616858.

Submission:

Labcorp Genetics (formerly Invitae), Labcorp
Classification: Pathogenic for Congenital dyserythropoietic anemia, type II; Cowden syndrome 7. Last evaluated: 2023-02-11. Review status: criteria provided, single submitter. Criteria: Invitae Variant Classification Sherloc (09022015). Collection method: clinical testing. Allele origin: germline.
Comment: This sequence change creates a premature translational stop signal (p.Lys198*) in the SEC23B gene. It is expected to result in an absent or disrupted protein product. Loss-of-function variants in SEC23B are known to be pathogenic (PMID: 19561605, 25044164). This variant is not present in population databases (gnomAD no frequency). This variant has not been reported in the literature in individuals affected with SEC23B-related conditions. For these reasons, this variant has been classified as Pathogenic.

Literature cited by the submitters: PubMed 19561605; PubMed 25044164.